The following is an entry in ClinVar:

NM_001080421.3(UNC13A):c.2303C>A (p.Thr768Lys)

Gene: UNC13A (unc-13 homolog A; minus strand). Cytogenetic location: 19p13.11.
Variant type: single nucleotide variant.
Coding change: c.2303C>A on transcript NM_001080421.3 (MANE Select); coding-DNA position 2303, C replaced by A.
Protein change: p.Thr768Lys; replaces threonine 768 with lysine.
Molecular consequence: missense variant.
Genome position (GRCh38, 1-based): chr19:17,645,727, G>T on the plus strand (C>A on the coding strand, the complement: UNC13A is on the minus strand). VCF-style: chr19-17645727-G-T. GRCh37 (hg19) VCF-style: chr19-17756536-G-T.
Other names: c.2297C>A, p.Thr766Lys (NM_001387021.1, NM_001387022.1, NM_001387023.1); short protein forms T766K, T768K.
Identifiers: ClinVar variation 4996952 (VCV004996952.1).

ClinVar aggregate classification (germline): Uncertain significance (1 of 4 stars; one submission).

Conditions:
UNC13A-related disorder. Also called: UNC13A-related condition.

gnomAD v4.1: 1 of 1,614,152 alleles (0.000062%); highest among the groups gnomAD compares: Non-Finnish European, 0.000085%; no homozygotes.

Submission:

PreventionGenetics, part of Exact Sciences
Classification: Uncertain significance for UNC13A-related condition. Last evaluated: 2024-12-09. Review status: criteria provided, single submitter. Criteria: ACMG Guidelines, 2015. Collection method: clinical testing. Allele origin: germline.
Comment: The UNC13A c.2303C>A variant is predicted to result in the amino acid substitution p.Thr768Lys. To our knowledge, this variant has not been reported in the literature or in a large population database (gnomAD), indicating this variant is rare. At this time, the clinical significance of this variant is uncertain due to the absence of conclusive functional and genetic evidence.